The following is an entry in ClinVar:

ClinVar aggregate classification (germline): Uncertain significance. Review status: criteria provided, multiple submitters, no conflicts (2 of 4 stars). 2 submissions from 2 submitters: Uncertain significance (2). Last evaluated 2024-06-11.

Conditions:
Long QT syndrome (LQTS). Identifiers: MedGen C0023976, MeSH D008133, MONDO:0002442. Disease mechanism: loss of function. Inheritance: Various modes of inheritance.

Allele frequency attached by ClinVar (database versions not stated): gnomAD exomes below 0.00001.

Submissions (2):

GeneDx
Classification: Uncertain significance. Last evaluated: 2024-06-11. Review status: criteria provided, single submitter. Criteria: GeneDx Variant Classification Process June 2021. Collection method: clinical testing. Allele origin: germline. Affected: yes.
Comment: Not observed at significant frequency in large population cohorts (gnomAD); In silico analysis indicates that this missense variant does not alter protein structure/function; Has not been previously published as pathogenic or benign to our knowledge

Labcorp Genetics (formerly Invitae), Labcorp
Classification: Uncertain significance for Long QT syndrome. Last evaluated: 2023-03-07. Review status: criteria provided, single submitter. Criteria: Invitae Variant Classification Sherloc (09022015). Collection method: clinical testing. Allele origin: germline.
Comment: In summary, the available evidence is currently insufficient to determine the role of this variant in disease. Therefore, it has been classified as a Variant of Uncertain Significance. Advanced modeling of protein sequence and biophysical properties (such as structural, functional, and spatial information, amino acid conservation, physicochemical variation, residue mobility, and thermodynamic stability) performed at Invitae indicates that this missense variant is not expected to disrupt KCNJ5 protein function. This variant has not been reported in the literature in individuals affected with KCNJ5-related conditions. This variant is present in population databases (no rsID available, gnomAD 0.0009%). This sequence change replaces valine, which is neutral and non-polar, with isoleucine, which is neutral and non-polar, at codon 156 of the KCNJ5 protein (p.Val156Ile).

NM_000890.5(KCNJ5):c.466G>A (p.Val156Ile)

Gene: KCNJ5 (potassium inwardly rectifying channel subfamily J member 5; plus strand). Cytogenetic location: 11q24.3.
Variant type: single nucleotide variant.
Coding change: c.466G>A on transcript NM_000890.5 (MANE Select); coding-DNA position 466, G replaced by A.
Protein change: p.Val156Ile; replaces valine 156 with isoleucine.
Molecular consequence: missense variant.
Genome position (GRCh38, 1-based): chr11:128,911,739, G>A. VCF-style: chr11-128911739-G-A. GRCh37 (hg19) VCF-style: chr11-128781634-G-A.
Other names: c.466G>A, p.Val156Ile (NM_001354169.2); short protein forms V156I.
Identifiers: ClinVar variation 2959119 (VCV002959119.4), dbSNP rs1376784979, ClinGen allele CA383248343.